The following is an entry in ClinVar:

ClinVar aggregate classification (germline): Uncertain significance (1 of 4 stars; one submission).

Submission:

Labcorp Genetics (formerly Invitae), Labcorp
Classification: Uncertain significance. Last evaluated: 2024-02-18. Review status: criteria provided, single submitter. Criteria: Invitae Variant Classification Sherloc (09022015). Collection method: clinical testing. Allele origin: germline.
Comment: This sequence change replaces arginine, which is basic and polar, with cysteine, which is neutral and slightly polar, at codon 381 of the KCNK4 protein (p.Arg381Cys). This variant is not present in population databases (gnomAD no frequency). This variant has not been reported in the literature in individuals affected with KCNK4-related conditions. Experimental studies and prediction algorithms are not available or were not evaluated, and the functional significance of this variant is currently unknown. In summary, the available evidence is currently insufficient to determine the role of this variant in disease. Therefore, it has been classified as a Variant of Uncertain Significance.

NM_033310.3(KCNK4):c.1141C>T (p.Arg381Cys)

Genes: KCNK4 (potassium two pore domain channel subfamily K member 4; plus strand), KCNK4-CATSPERZ (KCNK4-CATSPERZ readthrough (NMD candidate); plus strand). Cytogenetic location: 11q13.1.
Variant type: single nucleotide variant.
Coding change: c.1141C>T on transcript NM_033310.3 (MANE Select); coding-DNA position 1141, C replaced by T.
Protein change: p.Arg381Cys; replaces arginine 381 with cysteine.
Molecular consequence: missense variant. On other transcripts: non-coding transcript variant (3).
Genome position (GRCh38, 1-based): chr11:64,299,685, C>T. VCF-style: chr11-64299685-C-T. GRCh37 (hg19) VCF-style: chr11-64067157-C-T.
Other names: c.1141C>T, p.Arg381Cys (NM_001317090.2); short protein forms R381C.
Identifiers: ClinVar variation 3677495 (VCV003677495.2).
Genomic context (GRCh38, chr11:64,299,685, plus strand): 5'-CTGCCCCGCGCGCCGAGAGGTCGCCGCCGCCCAAATCCCCCCAGGAAGCCCGTGCGGCCC[C>T]GCGGCCCCGGGCGTCCCCGAGACAAAGGCGTGCCGGTGTAGGGGCAGGATCCCTGGCCGG-3'
Protein context (NP_201567.1, residues 371-391): PNPPRKPVRP[Arg381Cys]GPGRPRDKGV